The following is an entry in ClinVar:

ClinVar aggregate classification (germline): Uncertain significance (1 of 4 stars; one submission).

Conditions:
Hyperkalemic periodic paralysis. Also called: Familial hyperkalemic periodic paralysis; Gamstorp disease. Identifiers: Orphanet 682, MedGen C0238357, MONDO:0008224, OMIM 170500, HP:0007215.

Allele frequency attached by ClinVar (database versions not stated): gnomAD exomes below 0.00001; TOPMed 0.00001.

Submission:

Labcorp Genetics (formerly Invitae), Labcorp
Classification: Uncertain significance for Hyperkalemic periodic paralysis. Last evaluated: 2022-12-20. Review status: criteria provided, single submitter. Criteria: Invitae Variant Classification Sherloc (09022015). Collection method: clinical testing. Allele origin: germline.
Comment: In summary, the available evidence is currently insufficient to determine the role of this variant in disease. Therefore, it has been classified as a Variant of Uncertain Significance. Advanced modeling of protein sequence and biophysical properties (such as structural, functional, and spatial information, amino acid conservation, physicochemical variation, residue mobility, and thermodynamic stability) performed at Invitae indicates that this missense variant is not expected to disrupt SCN4A protein function. This variant has not been reported in the literature in individuals affected with SCN4A-related conditions. This variant is present in population databases (no rsID available, gnomAD 0.007%). This sequence change replaces alanine, which is neutral and non-polar, with valine, which is neutral and non-polar, at codon 357 of the SCN4A protein (p.Ala357Val).

NM_000334.4(SCN4A):c.1070C>T (p.Ala357Val)

Gene: SCN4A (sodium voltage-gated channel alpha subunit 4; minus strand). Cytogenetic location: 17q23.3.
Variant type: single nucleotide variant.
Coding change: c.1070C>T on transcript NM_000334.4 (MANE Select); coding-DNA position 1070, C replaced by T.
Protein change: p.Ala357Val; replaces alanine 357 with valine.
Molecular consequence: missense variant.
Genome position (GRCh38, 1-based): chr17:63,966,511, G>A on the plus strand (C>T on the coding strand, the complement: SCN4A is on the minus strand). VCF-style: chr17-63966511-G-A. GRCh37 (hg19) VCF-style: chr17-62043871-G-A.
Other names: short protein forms A357V.
Identifiers: ClinVar variation 2719224 (VCV002719224.3), dbSNP rs1479638245, ClinGen allele CA400636790.